The following is an entry in ClinVar:

NM_173630.4(RTTN):c.5507A>G (p.Lys1836Arg)

Genes: RTTN (rotatin; minus strand), LOC126862785 (MED14-independent group 3 enhancer GRCh37_chr18:67714790-67715989; plus strand). Cytogenetic location: 18q22.2.
Variant type: single nucleotide variant.
Coding change: c.5507A>G on transcript NM_173630.4 (MANE Select); coding-DNA position 5507, A replaced by G.
Protein change: p.Lys1836Arg; replaces lysine 1836 with arginine.
Molecular consequence: missense variant.
Genome position (GRCh38, 1-based): chr18:70,048,005, T>C on the plus strand (A>G on the coding strand, the complement: RTTN is on the minus strand). VCF-style: chr18-70048005-T-C. GRCh37 (hg19) VCF-style: chr18-67715241-T-C.
Other names: c.2771A>G, p.Lys924Arg (NM_001318520.2); c.5507A>G (NM_173630.3); short protein forms K1836R, K924R.
Identifiers: ClinVar variation 1462282 (VCV001462282.4), dbSNP rs201542181, ClinGen allele CA8994932.

ClinVar aggregate classification (germline): Uncertain significance. Review status: criteria provided, multiple submitters, no conflicts (2 of 4 stars). 2 submissions from 2 submitters: Uncertain significance (2). Last evaluated 2022-08-22.

Conditions:
Inborn genetic diseases. Identifiers: MedGen C0950123, MeSH D030342.

Allele frequency attached by ClinVar (database versions not stated): gnomAD exomes 0.00006 and 0.00008; ExAC 0.00007; gnomAD 0.00013 and 0.00014.
gnomAD v4.1: 110 of 1,614,008 alleles (0.0068%); highest among the groups gnomAD compares: Admixed American, 0.062%; no homozygotes.

Submissions (2):

Ambry Genetics
Classification: Uncertain significance for Inborn genetic diseases. Last evaluated: 2022-08-22. Review status: criteria provided, single submitter. Criteria: Ambry Variant Classification Scheme 2023. Collection method: clinical testing. Allele origin: germline.

Labcorp Genetics (formerly Invitae), Labcorp
Classification: Uncertain significance. Last evaluated: 2022-08-01. Review status: criteria provided, single submitter. Criteria: Invitae Variant Classification Sherloc (09022015). Collection method: clinical testing. Allele origin: germline.
Comment: This sequence change replaces lysine, which is basic and polar, with arginine, which is basic and polar, at codon 1836 of the RTTN protein (p.Lys1836Arg). This variant is present in population databases (rs201542181, gnomAD 0.02%). This variant has not been reported in the literature in individuals affected with RTTN-related conditions. ClinVar contains an entry for this variant (Variation ID: 1462282). Algorithms developed to predict the effect of missense changes on protein structure and function (SIFT, PolyPhen-2, Align-GVGD) all suggest that this variant is likely to be tolerated. In summary, the available evidence is currently insufficient to determine the role of this variant in disease. Therefore, it has been classified as a Variant of Uncertain Significance.